The following is an entry in ClinVar:

NM_002857.4(PEX19):c.122_123insAGA (p.Thr41_Thr42insAsp)

Gene: PEX19 (peroxisomal biogenesis factor 19; minus strand). Cytogenetic location: 1q23.2.
Variant type: Insertion.
Coding change: c.122_123insAGA on transcript NM_002857.4 (MANE Select); coding-DNA positions 122 to 123, AGA inserted.
Protein change: p.Thr41_Thr42insAsp.
Molecular consequence: inframe insertion. On other transcripts: non-coding transcript variant (1).
Genome position: GRCh38 VCF-style: chr1-160283587-G-GTCT. GRCh37 (hg19) VCF-style: chr1-160253377-G-GTCT.
Other names: c.122_123insAGA, p.Thr41_Thr42insAsp (NM_001193644.1).
Identifiers: ClinVar variation 1515560 (VCV001515560.8), dbSNP rs2101805810, ClinGen allele CA2573131161.

ClinVar aggregate classification (germline): Uncertain significance (1 of 4 stars; one submission).

Conditions:
Peroxisome biogenesis disorder 12A (Zellweger). Also called: Peroxisome biogenesis disorder 12A. Identifiers: Orphanet 912, MedGen C3554002, MONDO:0013951, OMIM 614886.

Submission:

Labcorp Genetics (formerly Invitae), Labcorp
Classification: Uncertain significance for Peroxisome biogenesis disorder 12A (Zellweger). Last evaluated: 2022-09-27. Review status: criteria provided, single submitter. Criteria: Invitae Variant Classification Sherloc (09022015). Collection method: clinical testing. Allele origin: germline.
Comment: In summary, the available evidence is currently insufficient to determine the role of this variant in disease. Therefore, it has been classified as a Variant of Uncertain Significance. Algorithms developed to predict the effect of sequence changes on RNA splicing suggest that this variant may create or strengthen a splice site. Experimental studies and prediction algorithms are not available or were not evaluated, and the functional significance of this variant is currently unknown. ClinVar contains an entry for this variant (Variation ID: 1515560). This variant has not been reported in the literature in individuals affected with PEX19-related conditions. This variant is not present in population databases (gnomAD no frequency). This variant, c.122_123insAGA, results in the insertion of 1 amino acid(s) of the PEX19 protein (p.Thr41_Thr42insAsp), but otherwise preserves the integrity of the reading frame.